The following is an entry in ClinVar:

ClinVar aggregate classification (germline): Uncertain significance. Review status: criteria provided, multiple submitters, no conflicts (2 of 4 stars). 4 submissions from 4 submitters: Uncertain significance (4). Last evaluated 2025-12-20.

Conditions:
Hereditary sensory and autonomic neuropathy type 6. Also called: Neuropathy, hereditary sensory and autonomic, type VI; HSAN VI. Identifiers: Orphanet 314381, MedGen C3539003, MONDO:0013839, OMIM 614653.
Epidermolysis bullosa simplex 3, localized or generalized intermediate, with BP230 deficiency (EBS3). Also called: Epidermolysis bullosa simplex, autosomal recessive 2; Epidermolysis bullosa simplex due to BP230 deficiency. Identifiers: Orphanet 412181, MedGen C3809470, MONDO:0014180, OMIM 615425.
DST-related disorder. Also called: DST-related disorders; DST-related condition.

Allele frequency attached by ClinVar (database versions not stated): ExAC 0.00001; gnomAD 0.00001; gnomAD exomes 0.00001 and 0.00002; TOPMed 0.00001.
gnomAD v4.1: 25 of 1,614,038 alleles (0.0015%); highest among the groups gnomAD compares: Middle Eastern, 0.033%; no homozygotes.

Submissions (4):

PreventionGenetics, part of Exact Sciences
Classification: Uncertain significance for DST-related condition. Last evaluated: 2025-12-20. Review status: criteria provided, single submitter. Criteria: ACMG Guidelines, 2015. Collection method: clinical testing. Allele origin: germline.
Comment: The DST c.4970A>G variant is predicted to result in the amino acid substitution p.Gln1657Arg. To our knowledge, this variant has not been reported in the literature. This variant is reported in 0.00088% of alleles in individuals of European (Non-Finnish) descent in gnomAD. At this time, the clinical significance of this variant is uncertain due to the absence of conclusive functional and genetic evidence.

GeneDx
Classification: Uncertain significance. Last evaluated: 2025-07-05. Review status: criteria provided, single submitter. Criteria: GeneDx Variant Classification Process June 2021. Collection method: clinical testing. Allele origin: germline. Affected: yes.
Comment: Not observed at significant frequency in large population cohorts (gnomAD); In silico analysis suggests that this missense variant does not alter protein structure/function; Has not been previously published as pathogenic or benign to our knowledge; Reported using the transcript encoding the epithelial isoform of the gene

Labcorp Genetics (formerly Invitae), Labcorp
Classification: Uncertain significance for Epidermolysis bullosa simplex 3, localized or generalized intermediate, with BP230 deficiency; Hereditary sensory and autonomic neuropathy type 6. Last evaluated: 2022-08-23. Review status: criteria provided, single submitter. Criteria: Invitae Variant Classification Sherloc (09022015). Collection method: clinical testing. Allele origin: germline.
Comment: This sequence change replaces glutamine, which is neutral and polar, with arginine, which is basic and polar, at codon 1657 of the DST protein (p.Gln1657Arg). This variant is present in population databases (rs764679253, gnomAD 0.0009%). This variant has not been reported in the literature in individuals affected with DST-related conditions. ClinVar contains an entry for this variant (Variation ID: 655813). Algorithms developed to predict the effect of missense changes on protein structure and function are either unavailable or do not agree on the potential impact of this missense change (SIFT: "Deleterious"; PolyPhen-2: "Benign"; Align-GVGD: "Class C0"). In summary, the available evidence is currently insufficient to determine the role of this variant in disease. Therefore, it has been classified as a Variant of Uncertain Significance.

Blueprint Genetics
Classification: Uncertain significance. Last evaluated: 2018-09-20. Review status: criteria provided, single submitter. Criteria: ACMG Guidelines, 2015. Collection method: clinical testing. Allele origin: germline.

NM_001723.7(DST):c.4970A>G (p.Gln1657Arg)

Gene: DST (dystonin; minus strand). Cytogenetic location: 6p12.1.
Variant type: single nucleotide variant.
Coding change: c.4970A>G on transcript NM_001723.7 (MANE Plus Clinical); coding-DNA position 4970, A replaced by G.
Protein change: p.Gln1657Arg; replaces glutamine 1657 with arginine.
Molecular consequence: missense variant. On other transcripts: intron variant (10).
Genome position (GRCh38, 1-based): chr6:56,619,064, T>C on the plus strand (A>G on the coding strand, the complement: DST is on the minus strand). VCF-style: chr6-56619064-T-C. GRCh37 (hg19) VCF-style: chr6-56483862-T-C.
Other names: c.4831-4580A>G (NM_001144769.5); c.4930-4580A>G (NM_001374722.1, NM_001374736.1); c.4957-4580A>G (NM_001374734.1); c.4417-4580A>G (NM_001144770.2); c.4297-4580A>G (NM_001374730.1, NM_001386100.1, NM_183380.4 and 1 more transcripts); c.3319-4580A>G (NM_015548.5); short protein forms Q1657R.
Identifiers: ClinVar variation 655813 (VCV000655813.7), dbSNP rs764679253, ClinGen allele CA3870445.